The following is an entry in ClinVar:

NC_000011.10:g.(?_64758236)_(64758714_?)del

Gene: PYGM (glycogen phosphorylase, muscle associated; minus strand). Cytogenetic location: 11q13.1.
Variant type: Deletion.
Identifiers: ClinVar variation 832953 (VCV000832953.1).

ClinVar aggregate classification (germline): Likely pathogenic (1 of 4 stars; one submission).

Conditions:
Glycogen storage disease, type V (GSD5). Also called: MCARDLE DISEASE; MUSCLE GLYCOGEN PHOSPHORYLASE DEFICIENCY; MYOPHOSPHORYLASE DEFICIENCY; PYGM DEFICIENCY; McArdle type glycogen storage disease. Identifiers: Orphanet 368, MedGen C0017924, MONDO:0009293, OMIM 232600.

Submission:

Labcorp Genetics (formerly Invitae), Labcorp
Classification: Likely pathogenic for Glycogen storage disease, type V. Last evaluated: 2019-07-30. Review status: criteria provided, single submitter. Criteria: Invitae Variant Classification Sherloc (09022015). Collection method: clinical testing. Allele origin: germline.
Comment: This variant is an in-frame deletion of the genomic region encompassing exons 2-4 of the PYGM gene. It preserves the integrity of the reading frame. This variant has not been reported in the literature in individuals with PYGM-related conditions. This variant disrupts the p.Arg94 amino acid residue in PYGM. Other variant(s) that disrupt this residue have been determined to be pathogenic (PMID: 12508303, 22250184, 17404776, 19472443, 17324573, 17994553). This suggests that this residue is clinically significant, and that variants that disrupt this residue are likely to be disease-causing. In summary, the currently available evidence indicates that the variant is pathogenic, but additional data are needed to prove that conclusively. Therefore, this variant has been classified as Likely Pathogenic.

Literature cited by the submitters: PubMed 17324573; PubMed 22250184; PubMed 12508303; PubMed 17404776; PubMed 17994553; PubMed 19472443.